The following is an entry in ClinVar:

ClinVar aggregate classification (germline): Uncertain significance (1 of 4 stars; one submission).

Conditions:
Amyotrophic lateral sclerosis type 21. Also called: VOCAL CORD AND PHARYNGEAL DYSFUNCTION WITH DISTAL MYOPATHY; MYOPATHY, DISTAL, 2. Identifiers: Orphanet 600, Orphanet 803, MedGen C3807521, MONDO:0011632, OMIM 606070.

gnomAD v4.1: 9 of 1,614,066 alleles (0.00056%); highest among the groups gnomAD compares: Non-Finnish European, 0.00059%; no homozygotes.

Submission:

Labcorp Genetics (formerly Invitae), Labcorp
Classification: Uncertain significance for Amyotrophic lateral sclerosis type 21. Last evaluated: 2025-12-22. Review status: criteria provided, single submitter. Criteria: Invitae Variant Classification Sherloc (09022015). Collection method: clinical testing. Allele origin: germline.
Comment: This sequence change replaces serine, which is neutral and polar, with phenylalanine, which is neutral and non-polar, at codon 164 of the MATR3 protein (p.Ser164Phe). This variant is not present in population databases (gnomAD no frequency). This variant has not been reported in the literature in individuals affected with MATR3-related conditions. ClinVar contains an entry for this variant (Variation ID: 1411045). Invitae Evidence Modeling of protein sequence and biophysical properties (such as structural, functional, and spatial information, amino acid conservation, physicochemical variation, residue mobility, and thermodynamic stability) indicates that this missense variant is expected to disrupt MATR3 protein function with a positive predictive value of 80%. In summary, the available evidence is currently insufficient to determine the role of this variant in disease. Therefore, it has been classified as a Variant of Uncertain Significance.

NM_018834.6(MATR3):c.491C>T (p.Ser164Phe)

Gene: MATR3 (matrin 3; plus strand). Cytogenetic location: 5q31.2.
Variant type: single nucleotide variant.
Coding change: c.491C>T on transcript NM_018834.6 (MANE Select); coding-DNA position 491, C replaced by T.
Protein change: p.Ser164Phe; replaces serine 164 with phenylalanine.
Molecular consequence: missense variant. On other transcripts: intron variant (2).
Genome position (GRCh38, 1-based): chr5:139,307,906, C>T. VCF-style: chr5-139307906-C-T. GRCh37 (hg19) VCF-style: chr5-138643595-C-T.
Other names: c.491C>T, p.Ser164Phe (NM_001194954.2, NM_001194955.2, NM_199189.3); c.-102-6769C>T (NM_001282278.2); c.49-6769C>T (NM_001194956.2); short protein forms S164F.
Identifiers: ClinVar variation 1411045 (VCV001411045.6), dbSNP rs1191529191, ClinGen allele CA361487386.